The following is an entry in ClinVar:

ClinVar aggregate classification (germline): Uncertain significance (1 of 4 stars; one submission).

gnomAD v4.1: 2 of 1,613,944 alleles (0.00012%); highest among the groups gnomAD compares: Non-Finnish European, 0.000085%; no homozygotes.

Submission:

Labcorp Genetics (formerly Invitae), Labcorp
Classification: Uncertain significance. Last evaluated: 2025-08-24. Review status: criteria provided, single submitter. Criteria: Invitae Variant Classification Sherloc (09022015). Collection method: clinical testing. Allele origin: germline.
Comment: This sequence change replaces leucine, which is neutral and non-polar, with arginine, which is basic and polar, at codon 919 of the NFKB1 protein (p.Leu919Arg). This variant is not present in population databases (gnomAD no frequency). This variant has not been reported in the literature in individuals affected with NFKB1-related conditions. An algorithm developed to predict the effect of missense changes on protein structure and function (PolyPhen-2) suggests that this variant is likely to be tolerated. In summary, the available evidence is currently insufficient to determine the role of this variant in disease. Therefore, it has been classified as a Variant of Uncertain Significance.

NM_003998.4(NFKB1):c.2756T>G (p.Leu919Arg)

Gene: NFKB1 (nuclear factor kappa B subunit 1; plus strand). Cytogenetic location: 4q24.
Variant type: single nucleotide variant.
Coding change: c.2756T>G on transcript NM_003998.4 (MANE Select); coding-DNA position 2756, T replaced by G.
Protein change: p.Leu919Arg; replaces leucine 919 with arginine.
Molecular consequence: missense variant.
Genome position (GRCh38, 1-based): chr4:102,616,440, T>G. VCF-style: chr4-102616440-T-G. GRCh37 (hg19) VCF-style: chr4-103537597-T-G.
Other names: c.2753T>G, p.Leu918Arg (NM_001165412.2, NM_001319226.2, NM_001382627.1); c.2756T>G, p.Leu919Arg (NM_001382625.1, NM_001382626.1); c.2714T>G, p.Leu905Arg (NM_001382628.1); short protein forms L918R, L905R, L919R.
Identifiers: ClinVar variation 4725918 (VCV004725918.1).
Genomic context (GRCh38, chr4:102,616,440, plus strand): 5'-GAGCTTTTTAGAGCCCGGCCATTCCCCCAGTGAATTTGTGCTTTCTCCCCTCAGACGAGC[T>G]CCGAGACAGTGACAGTGTCTGCGACAGCGGCGTGGAGACATCCTTCCGCAAACTCAGCTT-3'
Protein context (NP_003989.2, residues 909-929): PASTRQQIDE[Leu919Arg]RDSDSVCDSG